The following is an entry in ClinVar:

ClinVar aggregate classification (germline): Likely benign. Review status: criteria provided, multiple submitters, no conflicts (2 of 4 stars). 2 submissions from 2 submitters: Likely benign (2). Last evaluated 2018-06-18.

Allele frequency attached by ClinVar (database versions not stated): 1000 Genomes Project 0.01098; 1000 Genomes Project 30x 0.01109; TOPMed 0.01131; gnomAD 0.01188 and 0.01213.
gnomAD v4.1: 12,044 of 781,030 alleles (1.5%); highest among the groups gnomAD compares: South Asian, 3%; 151 homozygotes.

Submissions (2):

GeneDx
Classification: Likely benign. Last evaluated: 2018-06-18. Review status: criteria provided, single submitter. Criteria: GeneDx Variant Classification (06012015). Collection method: clinical testing. Allele origin: germline. Affected: yes.
Comment: This variant is considered likely benign or benign based on one or more of the following criteria: it is a conservative change, it occurs at a poorly conserved position in the protein, it is predicted to be benign by multiple in silico algorithms, and/or has population frequency not consistent with disease.

Breakthrough Genomics
Classification: Likely benign. Review status: criteria provided, single submitter. Criteria: ACMG Guidelines, 2015. Collection method: not provided. Allele origin: germline. Inheritance: Unknown mechanism. Affected: yes.

NM_005911.6(MAT2A):c.-111G>A

Genes: MAT2A (methionine adenosyltransferase 2A; plus strand), LOC129934215 (ATAC-STARR-seq lymphoblastoid silent region 11701; plus strand). Cytogenetic location: 2p11.2.
Variant type: single nucleotide variant.
Coding change: c.-111G>A on transcript NM_005911.6 (MANE Select); 111 bases upstream of the start codon, G replaced by A.
Molecular consequence: 5 prime UTR variant.
Genome position (GRCh38, 1-based): chr2:85,539,177, G>A. VCF-style: chr2-85539177-G-A. GRCh37 (hg19) VCF-style: chr2-85766300-G-A.
Identifiers: ClinVar variation 678527 (VCV000678527.2), dbSNP rs147348486, ClinGen allele CA51721714.